The following is an entry in ClinVar:

ClinVar aggregate classification (germline): Uncertain significance (1 of 4 stars; one submission).

Conditions:
Primary ciliary dyskinesia. Also called: Ciliary dyskinesia. Identifiers: Orphanet 244, MedGen C0008780, MONDO:0016575, HP:0012265.

Allele frequency attached by ClinVar (database versions not stated): gnomAD exomes 0.00001.
gnomAD v4.1: 3 of 1,610,002 alleles (0.00019%); highest among the groups gnomAD compares: Non-Finnish European, 0.00025%; no homozygotes.

Submission:

Ambry Genetics
Classification: Uncertain significance for Primary ciliary dyskinesia. Last evaluated: 2021-12-24. Review status: criteria provided, single submitter. Criteria: Ambry Variant Classification Scheme 2023. Collection method: clinical testing. Allele origin: germline.
Comment: The p.I2599T variant (also known as c.7796T>C), located in coding exon 47 of the DNAH5 gene, results from a T to C substitution at nucleotide position 7796. The isoleucine at codon 2599 is replaced by threonine, an amino acid with similar properties. This amino acid position is conserved. In addition, the in silico prediction for this alteration is inconclusive. Since supporting evidence is limited at this time, the clinical significance of this alteration remains unclear.

NM_001369.3(DNAH5):c.7796T>C (p.Ile2599Thr)

Gene: DNAH5 (dynein axonemal heavy chain 5; minus strand). Cytogenetic location: 5p15.2.
Variant type: single nucleotide variant.
Coding change: c.7796T>C on transcript NM_001369.3 (MANE Select); coding-DNA position 7796, T replaced by C.
Protein change: p.Ile2599Thr; replaces isoleucine 2599 with threonine.
Molecular consequence: missense variant.
Genome position (GRCh38, 1-based): chr5:13,807,682, A>G on the plus strand (T>C on the coding strand, the complement: DNAH5 is on the minus strand). VCF-style: chr5-13807682-A-G. GRCh37 (hg19) VCF-style: chr5-13807791-A-G.
Other names: short protein forms I2599T.
Identifiers: ClinVar variation 1760655 (VCV001760655.2), dbSNP rs2546793988, ClinGen allele CA359228520.
Genomic context (GRCh38, chr5:13,807,682, plus strand): 5'-AAATTCAGACTCTTGATCATGTGACATTCAGGATCATATTTTGACATAAATCCTTTAATT[A>G]TTACTGTTTTGGCTGTTCCTTGTTCACCAATTAATAGCACAGCCTAAAATAGAGGGAATT-3'
Protein context (NP_001360.1, residues 2589-2609): IGEQGTAKTV[Ile2599Thr]IKGFMSKYDP